The following is an entry in ClinVar:

ClinVar aggregate classification (germline): Uncertain significance (1 of 4 stars; one submission).

Allele frequency attached by ClinVar (database versions not stated): gnomAD exomes below 0.00001; ExAC 0.00001; TOPMed 0.00001; gnomAD 0.00003.
gnomAD v4.1: 6 of 1,609,358 alleles (0.00037%); highest among the groups gnomAD compares: African/African-American, 0.0067%; no homozygotes.

Submission:

Labcorp Genetics (formerly Invitae), Labcorp
Classification: Uncertain significance. Last evaluated: 2022-08-31. Review status: criteria provided, single submitter. Criteria: Invitae Variant Classification Sherloc (09022015). Collection method: clinical testing. Allele origin: germline.
Comment: In summary, the available evidence is currently insufficient to determine the role of this variant in disease. Therefore, it has been classified as a Variant of Uncertain Significance. This sequence change replaces proline, which is neutral and non-polar, with serine, which is neutral and polar, at codon 1154 of the PTPN23 protein (p.Pro1154Ser). The frequency data for this variant in the population databases is considered unreliable, as metrics indicate poor data quality at this position in the gnomAD database. This variant has not been reported in the literature in individuals affected with PTPN23-related conditions. ClinVar contains an entry for this variant (Variation ID: 1413649). Algorithms developed to predict the effect of missense changes on protein structure and function are either unavailable or do not agree on the potential impact of this missense change (SIFT: "Tolerated"; PolyPhen-2: "Possibly Damaging"; Align-GVGD: "Class C0").

NM_015466.4(PTPN23):c.3460C>T (p.Pro1154Ser)

Gene: PTPN23 (protein tyrosine phosphatase non-receptor type 23; plus strand). Cytogenetic location: 3p21.31.
Variant type: single nucleotide variant.
Coding change: c.3460C>T on transcript NM_015466.4 (MANE Select); coding-DNA position 3460, C replaced by T.
Protein change: p.Pro1154Ser; replaces proline 1154 with serine.
Molecular consequence: missense variant.
Genome position (GRCh38, 1-based): chr3:47,411,258, C>T. VCF-style: chr3-47411258-C-T. GRCh37 (hg19) VCF-style: chr3-47452748-C-T.
Other names: c.3082C>T, p.Pro1028Ser (NM_001304482.2); short protein forms P1028S, P1154S.
Identifiers: ClinVar variation 1413649 (VCV001413649.5), dbSNP rs762256197, ClinGen allele CA2366284.